The following is an entry in ClinVar:

NM_001100.4(ACTA1):c.400del (p.Met134fs)

Gene: ACTA1 (actin alpha 1, skeletal muscle; minus strand). Cytogenetic location: 1q42.13.
Variant type: Deletion.
Coding change: c.400del on transcript NM_001100.4 (MANE Select); coding-DNA position 400, one base deleted (A; older notation c.400delA).
Protein change: p.Met134fs; shifts the reading frame from methionine 134.
Molecular consequence: frameshift variant.
Genome position (GRCh38, 1-based): chr1:229,432,610, T deleted on the plus strand (A on the coding strand, the reverse complement: ACTA1 is on the minus strand). VCF-style (leftmost placement, unchanged base first): chr1-229432609-AT-A. GRCh37 (hg19) VCF-style: chr1-229568356-AT-A.
Other names: short protein forms M134fs.
Identifiers: ClinVar variation 1451534 (VCV001451534.6), dbSNP rs2102736194, ClinGen allele CA2573132023.

ClinVar aggregate classification (germline): Pathogenic (1 of 4 stars; one submission).

Conditions:
Actin accumulation myopathy (CMYO2A). Also called: Myopathy, actin, congenital, with cores; Nemaline myopathy 3, with intranuclear rods; Nemaline myopathy type 3; Myopathy, actin, congenital, with excess of thin myofilaments; CONGENITAL MYOPATHY 2A, TYPICAL, AUTOSOMAL DOMINANT. Identifiers: Orphanet 98904, MedGen C3711389, MONDO:0008070, OMIM 161800.

Allele frequency attached by ClinVar (database versions not stated): gnomAD exomes below 0.00001.

Submission:

Labcorp Genetics (formerly Invitae), Labcorp
Classification: Pathogenic for Actin accumulation myopathy. Last evaluated: 2021-06-19. Review status: criteria provided, single submitter. Criteria: Invitae Variant Classification Sherloc (09022015). Collection method: clinical testing. Allele origin: germline.
Comment: For these reasons, this variant has been classified as Pathogenic. This variant has not been reported in the literature in individuals with ACTA1-related conditions. This variant is not present in population databases (ExAC no frequency). This sequence change creates a premature translational stop signal (p.Met134Cysfs*58) in the ACTA1 gene. It is expected to result in an absent or disrupted protein product. Loss-of-function variants in ACTA1 are known to be pathogenic (PMID: 19562689).

Literature cited by the submitters: PubMed 19562689.